The following is an entry in ClinVar:

NM_000133.4(F9):c.61G>A (p.Gly21Arg)

Gene: F9 (coagulation factor IX; plus strand). Cytogenetic location: Xq27.1.
Variant type: single nucleotide variant.
Coding change: c.61G>A on transcript NM_000133.4 (MANE Select); coding-DNA position 61, G replaced by A.
Protein change: p.Gly21Arg; replaces glycine 21 with arginine.
Molecular consequence: missense variant.
Genome position (GRCh38, 1-based): chrX:139,530,825, G>A. VCF-style: chrX-139530825-G-A. GRCh37 (hg19) VCF-style: chrX-138612984-G-A.
Other names: c.61G>A, p.Gly21Arg (NM_001313913.2); short protein forms G21R.
Identifiers: ClinVar variation 3338594 (VCV003338594.1).

ClinVar aggregate classification (germline): Uncertain significance (1 of 4 stars; one submission).

Submission:

Greenwood Genetic Center Diagnostic Laboratories, Greenwood Genetic Center
Classification: Uncertain significance. Last evaluated: 2024-04-23. Review status: criteria provided, single submitter. Criteria: ACMG Guidelines, 2015. Collection method: clinical testing. Allele origin: germline. Affected: yes.
Comment: PM1, PM2